The following is an entry in ClinVar:

ClinVar aggregate classification (germline): Likely benign (0 of 4 stars; one submission).

Conditions:
KCNQ1-related disorder. Also called: KCNQ1-related condition; KCNQ1-related disorders. Identifiers: MedGen CN239322.

Allele frequency attached by ClinVar (database versions not stated): gnomAD 0.00010; TOPMed 0.00015; 1000 Genomes Project 0.00020; 1000 Genomes Project 30x 0.00047.
gnomAD v4.1: 45 of 416,922 alleles (0.011%); highest among the groups gnomAD compares: Middle Eastern, 0.062%; no homozygotes.

Submission:

PreventionGenetics, part of Exact Sciences
Classification: Likely benign for KCNQ1-related condition. Last evaluated: 2020-07-01. Review status: no assertion criteria provided. Collection method: clinical testing. Allele origin: germline.
Comment: This variant is classified as likely benign based on ACMG/AMP sequence variant interpretation guidelines (Richards et al. 2015 PMID: 25741868, with internal and published modifications).

NM_000218.3(KCNQ1):c.1514+517C>T

Genes: KCNQ1 (potassium voltage-gated channel subfamily Q member 1; plus strand), KCNQ1OT1 (KCNQ1 opposite strand/antisense transcript 1; minus strand). Cytogenetic location: 11p15.5.
Variant type: single nucleotide variant.
Coding change: c.1514+517C>T on transcript NM_000218.3 (MANE Select); 517 bases into the intron after coding-DNA position 1514, C replaced by T.
Molecular consequence: intron variant. On other transcripts: non-coding transcript variant (1).
Genome position (GRCh38, 1-based): chr11:2,662,598, C>T. VCF-style: chr11-2662598-C-T. GRCh37 (hg19) VCF-style: chr11-2683828-C-T.
Other names: c.1244+517C>T (NM_001406837.1); c.1418+517C>T (NM_001406836.1); c.974+517C>T (NM_001406838.1); c.1133+517C>T (NM_181798.2).
Identifiers: ClinVar variation 3038641 (VCV003038641.2), dbSNP rs532564791, ClinGen allele CA216171473.